The following is an entry in ClinVar:

NM_006343.3(MERTK):c.851C>T (p.Pro284Leu)

Gene: MERTK (MER proto-oncogene, tyrosine kinase; plus strand). Cytogenetic location: 2q13.
Variant type: single nucleotide variant.
Coding change: c.851C>T on transcript NM_006343.3 (MANE Select); coding-DNA position 851, C replaced by T.
Protein change: p.Pro284Leu; replaces proline 284 with leucine.
Molecular consequence: missense variant.
Genome position (GRCh38, 1-based): chr2:111,968,143, C>T. VCF-style: chr2-111968143-C-T. GRCh37 (hg19) VCF-style: chr2-112725720-C-T.
Other names: short protein forms P284L.
Identifiers: ClinVar variation 1430386 (VCV001430386.8), dbSNP rs900547007, ClinGen allele CA53583412.

ClinVar aggregate classification (germline): Uncertain significance (1 of 4 stars; one submission).

Allele frequency attached by ClinVar (database versions not stated): gnomAD exomes below 0.00001.
gnomAD v4.1: 1 of 1,611,776 alleles (0.000062%); highest among the groups gnomAD compares: South Asian, 0.0011%; no homozygotes.

Submission:

Labcorp Genetics (formerly Invitae), Labcorp
Classification: Uncertain significance. Last evaluated: 2021-04-18. Review status: criteria provided, single submitter. Criteria: Invitae Variant Classification Sherloc (09022015). Collection method: clinical testing. Allele origin: germline.
Comment: In summary, the available evidence is currently insufficient to determine the role of this variant in disease. Therefore, it has been classified as a Variant of Uncertain Significance. Algorithms developed to predict the effect of missense changes on protein structure and function (SIFT, PolyPhen-2, Align-GVGD) all suggest that this variant is likely to be disruptive, but these predictions have not been confirmed by published functional studies and their clinical significance is uncertain. This variant has not been reported in the literature in individuals with MERTK-related conditions. This variant is not present in population databases (ExAC no frequency). This sequence change replaces proline with leucine at codon 284 of the MERTK protein (p.Pro284Leu). The proline residue is highly conserved and there is a moderate physicochemical difference between proline and leucine.